The following is an entry in ClinVar:

NM_000550.3(TYRP1):c.1253dup (p.Tyr418Ter)

Genes: LURAP1L-AS1 (LURAP1L antisense RNA 1; minus strand), TYRP1 (tyrosinase related protein 1; plus strand). Cytogenetic location: 9p23.
Variant type: Duplication.
Coding change: c.1253dup on transcript NM_000550.3 (MANE Select); coding-DNA position 1253, one base duplicated (A; older notation c.1253dupA).
Protein change: p.Tyr418Ter; replaces tyrosine 418 with a stop codon.
Molecular consequence: nonsense.
Genome position (GRCh38, 1-based): chr9:12,704,697, A duplicated. VCF-style (leftmost placement, unchanged base first): chr9-12704696-T-TA. GRCh37 (hg19) VCF-style: chr9-12704696-T-TA.
Other names: short protein forms Y418*.
Identifiers: ClinVar variation 1455304 (VCV001455304.6), dbSNP rs1818230091, ClinGen allele CA1834022986.
Genomic context (GRCh38, chr9:12,704,696, plus strand): 5'-CCTATTTTTGTCCTCCTGCACACCTTCACAGATGCAGTCTTTGATGAATGGCTGAGGAGA[T>TA]ACAATGCTGGTAAGACATTTTCATATGCCTTTTGCATGCTCAGCTGGGCGGATTGTTTAG-3'

ClinVar aggregate classification (germline): Pathogenic (1 of 4 stars; one submission).

Allele frequency attached by ClinVar (database versions not stated): TOPMed 0.00001.

Submission:

Labcorp Genetics (formerly Invitae), Labcorp
Classification: Pathogenic. Last evaluated: 2024-02-24. Review status: criteria provided, single submitter. Criteria: Invitae Variant Classification Sherloc (09022015). Collection method: clinical testing. Allele origin: germline.
Comment: This sequence change creates a premature translational stop signal (p.Tyr418*) in the TYRP1 gene. It is expected to result in an absent or disrupted protein product. Loss-of-function variants in TYRP1 are known to be pathogenic (PMID: 8651291, 9345097). This variant is not present in population databases (gnomAD no frequency). This variant has not been reported in the literature in individuals affected with TYRP1-related conditions. ClinVar contains an entry for this variant (Variation ID: 1455304). For these reasons, this variant has been classified as Pathogenic.

Literature cited by the submitters: PubMed 8651291; PubMed 9345097.